The following is an entry in ClinVar:

ClinVar aggregate classification (germline): Uncertain significance (1 of 4 stars; one submission).

Allele frequency attached by ClinVar (database versions not stated): TOPMed below 0.00001; gnomAD 0.00001.
gnomAD v4.1: 3 of 1,566,706 alleles (0.00019%); highest among the groups gnomAD compares: Non-Finnish European, 0.00026%; no homozygotes.

Submission:

Labcorp Genetics (formerly Invitae), Labcorp
Classification: Uncertain significance. Last evaluated: 2022-02-08. Review status: criteria provided, single submitter. Criteria: Invitae Variant Classification Sherloc (09022015). Collection method: clinical testing. Allele origin: germline.
Comment: This sequence change replaces serine, which is neutral and polar, with arginine, which is basic and polar, at codon 168 of the PEX11B protein (p.Ser168Arg). This variant is not present in population databases (gnomAD no frequency). This variant has not been reported in the literature in individuals affected with PEX11B-related conditions. Algorithms developed to predict the effect of missense changes on protein structure and function (SIFT, PolyPhen-2, Align-GVGD) all suggest that this variant is likely to be tolerated. In summary, the available evidence is currently insufficient to determine the role of this variant in disease. Therefore, it has been classified as a Variant of Uncertain Significance.

NM_003846.3(PEX11B):c.502A>C (p.Ser168Arg)

Gene: PEX11B (peroxisomal biogenesis factor 11 beta; minus strand). Cytogenetic location: 1q21.1.
Variant type: single nucleotide variant.
Coding change: c.502A>C on transcript NM_003846.3 (MANE Select); coding-DNA position 502, A replaced by C.
Protein change: p.Ser168Arg; replaces serine 168 with arginine.
Molecular consequence: missense variant. On other transcripts: non-coding transcript variant (3).
Genome position (GRCh38, 1-based): chr1:145,912,439, T>G on the plus strand (A>C on the coding strand, the complement: PEX11B is on the minus strand). VCF-style: chr1-145912439-T-G. GRCh37 (hg19) VCF-style: chr1-145522641-A-C.
Other names: c.460A>C, p.Ser154Arg (NM_001184795.1); short protein forms S168R, S154R.
Identifiers: ClinVar variation 1374323 (VCV001374323.3), dbSNP rs1339864282, ClinGen allele CA342121274.